The following is an entry in ClinVar:

NM_000051.4(ATM):c.4437-14dup

Gene: ATM (ATM serine/threonine kinase; plus strand). Cytogenetic location: 11q22.3.
Variant type: Duplication.
Coding change: c.4437-14dup on transcript NM_000051.4 (MANE Select); 14 bases into the intron before coding-DNA position 4437, one base duplicated (T; older notation c.4437-14dupT).
Molecular consequence: intron variant.
Genome position (GRCh38, 1-based): chr11:108,292,605, T duplicated; the last of 9 consecutive T bases (chr11:108,292,597-108,292,605); duplicating any one gives the same sequence. VCF-style (leftmost placement, unchanged base first): chr11-108292596-G-GT. GRCh37 (hg19) VCF-style: chr11-108163323-G-GT.
Other names: c.4437-14_4437-13insT (NM_000051.3); c.4437-14dup (NM_001351834.2); c.4437-14dupT (NM_000051.4).
Identifiers: ClinVar variation 181861 (VCV000181861.4), dbSNP rs730881290, ClinGen allele CA298004.

ClinVar aggregate classification (germline): Benign/Likely benign. Review status: criteria provided, multiple submitters, no conflicts (2 of 4 stars). 3 submissions from 3 submitters: Benign (2); Likely benign (1). Last evaluated 2025-03-04.

Conditions:
Hereditary cancer-predisposing syndrome. Also called: Tumor predisposition; Hereditary Cancer Syndrome; Hereditary neoplastic syndrome; Neoplastic Syndromes, Hereditary. Identifiers: Orphanet 140162, MedGen C0027672, MeSH D009386, MONDO:0015356.
Familial cancer of breast. Also called: BREAST CANCER, FAMILIAL; Hereditary breast cancer; hereditary breast carcinoma. Identifiers: Orphanet 227535, MedGen C0346153, MONDO:0016419, OMIM 114480. Disease mechanism: loss of function.

Submissions (3):

Center for Genomic Medicine, Rigshospitalet, Copenhagen University Hospital
Classification: Likely benign. Last evaluated: 2025-03-04. Review status: criteria provided, single submitter. Criteria: ACMG Guidelines, 2015. Collection method: clinical testing. Allele origin: germline.

Myriad Genetics, Inc.
Classification: Benign for Familial cancer of breast. Last evaluated: 2024-05-17. Review status: criteria provided, single submitter. Criteria: Myriad Autosomal Dominant, Autosomal Recessive and X-Linked Classification Criteria (2023). Collection method: clinical testing. Allele origin: unknown.
Comment: This variant is considered benign. This variant is intronic and is not expected to impact mRNA splicing.

GeneDx
Classification: Benign for Neoplastic Syndromes, Hereditary. Last evaluated: 2014-07-08. Review status: criteria provided, single submitter. Criteria: GeneDx Variant Classification (06012015). Collection method: clinical testing. Allele origin: germline. Affected: yes.
Comment: The variant is found in BR-OV-HEREDIC,HEREDICANCER panel(s).